The following is an entry in ClinVar:

ClinVar aggregate classification (germline): Uncertain significance (1 of 4 stars; one submission).

Conditions:
Polyglandular autoimmune syndrome, type 1 (APS1). Also called: Autoimmune polyendocrine syndrome type 1; Autoimmune polyendocrinopathy syndrome , type I, with or without reversible metaphyseal dysplasia; PGA I; Autoimmune polyendocrinopathy syndrome, type I; APS I; HYPOADRENOCORTICISM WITH HYPOPARATHYROIDISM AND SUPERFICIAL MONILIASIS. Identifiers: Orphanet 3453, MedGen C0085859, MONDO:0009411, OMIM 240300.

Submission:

Labcorp Genetics (formerly Invitae), Labcorp
Classification: Uncertain significance for Polyglandular autoimmune syndrome, type 1. Last evaluated: 2022-07-27. Review status: criteria provided, single submitter. Criteria: Invitae Variant Classification Sherloc (09022015). Collection method: clinical testing. Allele origin: germline.
Comment: This sequence change replaces aspartic acid, which is acidic and polar, with glutamic acid, which is acidic and polar, at codon 34 of the AIRE protein (p.Asp34Glu). This variant is not present in population databases (gnomAD no frequency). This missense change has been observed in individual(s) with clinical features of autosomal recessive autoimmune polyendocrinopathy with candidiasis and ectodermal dysplasia (Invitae). Advanced modeling of protein sequence and biophysical properties (such as structural, functional, and spatial information, amino acid conservation, physicochemical variation, residue mobility, and thermodynamic stability) performed at Invitae indicates that this missense variant is expected to disrupt AIRE protein function. This variant disrupts the p.Asp34 amino acid residue in AIRE. Other variant(s) that disrupt this residue have been observed in individuals with AIRE-related conditions (PMID: 24703644; Invitae), which suggests that this may be a clinically significant amino acid residue. In summary, the available evidence is currently insufficient to determine the role of this variant in disease. Therefore, it has been classified as a Variant of Uncertain Significance.

Literature cited by the submitters: PubMed 24703644.

NM_000383.4(AIRE):c.102C>A (p.Asp34Glu)

Gene: AIRE (autoimmune regulator; plus strand). Cytogenetic location: 21q22.3.
Variant type: single nucleotide variant.
Coding change: c.102C>A on transcript NM_000383.4 (MANE Select); coding-DNA position 102, C replaced by A.
Protein change: p.Asp34Glu; replaces aspartic acid 34 with glutamic acid.
Molecular consequence: missense variant.
Genome position (GRCh38, 1-based): chr21:44,286,108, C>A. VCF-style: chr21-44286108-C-A. GRCh37 (hg19) VCF-style: chr21-45705991-C-A.
Other names: short protein forms D34E.
Identifiers: ClinVar variation 1996467 (VCV001996467.1), dbSNP rs2517875684, ClinGen allele CA410423108.